The following is an entry in ClinVar:

NM_001035.3(RYR2):c.7105A>G (p.Ser2369Gly)

Gene: RYR2 (ryanodine receptor 2; plus strand). Cytogenetic location: 1q43.
Variant type: single nucleotide variant.
Coding change: c.7105A>G on transcript NM_001035.3 (MANE Select); coding-DNA position 7105, A replaced by G.
Protein change: p.Ser2369Gly; replaces serine 2369 with glycine.
Molecular consequence: missense variant.
Genome position (GRCh38, 1-based): chr1:237,639,191, A>G. VCF-style: chr1-237639191-A-G. GRCh37 (hg19) VCF-style: chr1-237802491-A-G.
Other names: short protein forms S2369G.
Identifiers: ClinVar variation 928125 (VCV000928125.9), dbSNP rs1327450246, ClinGen allele CA345396091.

ClinVar aggregate classification (germline): Uncertain significance. Review status: criteria provided, multiple submitters, no conflicts (2 of 4 stars). 3 submissions from 3 submitters: Uncertain significance (3). Last evaluated 2023-12-05.

Conditions:
Cardiomyopathy (CMYO). Also called: Cardiomyopathies. Identifiers: Orphanet 167848, MedGen C0878544, MONDO:0004994, HP:0001638. Inheritance: Various modes of inheritance.
Catecholaminergic polymorphic ventricular tachycardia 1. Also called: RYR2-Related Catecholaminergic Polymorphic Ventricular Tachycardia; VENTRICULAR TACHYCARDIA, STRESS-INDUCED POLYMORPHIC 1; VENTRICULAR TACHYCARDIA, CATECHOLAMINERGIC POLYMORPHIC, 1, WITH OR WITHOUT ATRIAL DYSFUNCTION AND/OR DILATED CARDIOMYOPATHY. Identifiers: Orphanet 3286, MedGen C1631597, MONDO:0011484, OMIM 604772.

Allele frequency attached by ClinVar (database versions not stated): gnomAD exomes below 0.00001 and 0.00001.
gnomAD v4.1: 7 of 1,612,596 alleles (0.00043%); highest among the groups gnomAD compares: East Asian, 0.0045%; no homozygotes.

Submissions (3):

Color Diagnostics, LLC DBA Color Health
Classification: Uncertain significance for Cardiomyopathy. Last evaluated: 2023-12-05. Review status: criteria provided, single submitter. Criteria: ACMG Guidelines, 2015. Collection method: clinical testing. Allele origin: germline.
Comment: Variant of Uncertain Significance due to insufficient evidence: This missense variant replaces serine with glycine at codon 2369 of the RYR2 protein. Computational prediction tools and conservation analyses suggest that this variant may have deleterious impact on the protein function. Computational splicing tools suggest that this variant may impact RNA splicing. To our knowledge, functional assays have not been performed for this variant nor has this variant been reported in individuals affected with cardiovascular disorders in the literature. This variant has been identified in 1/248014 chromosomes in the general population by the Genome Aggregation Database (gnomAD). Available evidence is insufficient to determine the role of this variant in disease conclusively.

Labcorp Genetics (formerly Invitae), Labcorp
Classification: Uncertain significance for Catecholaminergic polymorphic ventricular tachycardia 1. Last evaluated: 2023-08-22. Review status: criteria provided, single submitter. Criteria: Invitae Variant Classification Sherloc (09022015). Collection method: clinical testing. Allele origin: germline.
Comment: This sequence change replaces serine, which is neutral and polar, with glycine, which is neutral and non-polar, at codon 2369 of the RYR2 protein (p.Ser2369Gly). This variant is present in population databases (no rsID available, gnomAD 0.006%). This variant has not been reported in the literature in individuals affected with RYR2-related conditions. ClinVar contains an entry for this variant (Variation ID: 928125). Advanced modeling of protein sequence and biophysical properties (such as structural, functional, and spatial information, amino acid conservation, physicochemical variation, residue mobility, and thermodynamic stability) performed at Invitae indicates that this missense variant is not expected to disrupt RYR2 protein function. Algorithms developed to predict the effect of sequence changes on RNA splicing suggest that this variant may create or strengthen a splice site. In summary, the available evidence is currently insufficient to determine the role of this variant in disease. Therefore, it has been classified as a Variant of Uncertain Significance.

Blueprint Genetics
Classification: Uncertain significance. Last evaluated: 2020-02-06. Review status: criteria provided, single submitter. Criteria: ACMG Guidelines, 2015. Collection method: clinical testing. Allele origin: germline.